The following is an entry in ClinVar:

NM_015506.3(MMACHC):c.145G>C (p.Ala49Pro)

Gene: MMACHC (metabolism of cobalamin associated C; plus strand). Cytogenetic location: 1p34.1.
Variant type: single nucleotide variant.
Coding change: c.145G>C on transcript NM_015506.3 (MANE Select); coding-DNA position 145, G replaced by C.
Protein change: p.Ala49Pro; replaces alanine 49 with proline.
Molecular consequence: missense variant. On other transcripts: 5 prime UTR variant (1).
Genome position (GRCh38, 1-based): chr1:45,507,419, G>C. VCF-style: chr1-45507419-G-C. GRCh37 (hg19) VCF-style: chr1-45973091-G-C.
Other names: c.-27G>C (NM_001330540.2); short protein forms A49P.
Identifiers: ClinVar variation 1047063 (VCV001047063.13), dbSNP rs775502093, ClinGen allele CA340131512.

ClinVar aggregate classification (germline): Uncertain significance. Review status: criteria provided, single submitter (1 of 4 stars). 2 submissions from 2 submitters: Uncertain significance (1). 1 of the submissions does not count toward it. Last evaluated 2020-07-16.

Conditions:
Cobalamin C disease. Also called: methylmalonic aciduria and homocystinuria type cblC; Cobalamin-C methylmalonic acidemia and homocystinuria; Methylmalonic acidemia and homocystinuria cblC type; Methylmalonic aciduria and homocystinuria, Vitamin B12-responsive; Vitamin B12 metabolic defect with combined deficiency of methylmalonyl-CoA mutase and homocysteine:methyltetrahydrofolate methyltransferase; Methylmalonic aciduria with homocystinuria cblC type. Identifiers: Orphanet 26, Orphanet 79282, MedGen C1848561, MONDO:0010184, OMIM 277400.

Submissions (2):

Labcorp Genetics (formerly Invitae), Labcorp
Classification: Uncertain significance for Cobalamin C disease. Last evaluated: 2020-07-16. Review status: criteria provided, single submitter. Criteria: Invitae Variant Classification Sherloc (09022015). Collection method: clinical testing. Allele origin: germline.
Comment: This variant is not present in population databases (ExAC no frequency). This sequence change replaces alanine with proline at codon 49 of the MMACHC protein (p.Ala49Pro). The alanine residue is highly conserved and there is a small physicochemical difference between alanine and proline. This variant has been observed in individuals with methylmalonic aciduria and homocystinuria, cblC type (PMID: 19370762, Invitae). In at least one individual the data is consistent with the variant being in trans (on the opposite chromosome) from a pathogenic variant. In summary, the available evidence is currently insufficient to determine the role of this variant in disease. Therefore, it has been classified as a Variant of Uncertain Significance. Algorithms developed to predict the effect of missense changes on protein structure and function are either unavailable or do not agree on the potential impact of this missense change (SIFT: "Deleterious"; PolyPhen-2: "Probably Damaging"; Align-GVGD: "Class C0").

Natera, Inc.
Classification: Uncertain significance for Methylmalonic aciduria and homocystinuria cblC type. Last evaluated: 2020-10-07. Review status: no assertion criteria provided. Collection method: clinical testing. Allele origin: germline. Not counted in ClinVar's aggregate classification.

Literature cited by the submitters: PubMed 19370762 (cited by Labcorp Genetics (formerly Invitae), Labcorp).